The following is an entry in ClinVar:

NM_006031.6(PCNT):c.5829C>T (p.Cys1943=)

Gene: PCNT (pericentrin; plus strand). Cytogenetic location: 21q22.3.
Variant type: single nucleotide variant.
Coding change: c.5829C>T on transcript NM_006031.6 (MANE Select); coding-DNA position 5829, C replaced by T.
Protein change: p.Cys1943=; no amino-acid change (cysteine 1943 retained).
Molecular consequence: synonymous variant.
Genome position (GRCh38, 1-based): chr21:46,411,902, C>T. VCF-style: chr21-46411902-C-T. GRCh37 (hg19) VCF-style: chr21-47831816-C-T.
Other names: c.5475C>T, p.Cys1825= (NM_001315529.2).
Identifiers: ClinVar variation 3049395 (VCV003049395.2), dbSNP rs868323404, ClinGen allele CA321998194.

ClinVar aggregate classification (germline): Likely benign (0 of 4 stars; one submission).

Conditions:
PCNT-related disorder. Also called: PCNT-related condition.

Allele frequency attached by ClinVar (database versions not stated): gnomAD exomes below 0.00001.
gnomAD v4.1: 3 of 1,582,722 alleles (0.00019%); highest among the groups gnomAD compares: Middle Eastern, 0.04%; 1 homozygote.

Submission:

PreventionGenetics, part of Exact Sciences
Classification: Likely benign for PCNT-related condition. Last evaluated: 2019-07-15. Review status: no assertion criteria provided. Collection method: clinical testing. Allele origin: germline.
Comment: This variant is classified as likely benign based on ACMG/AMP sequence variant interpretation guidelines (Richards et al. 2015 PMID: 25741868, with internal and published modifications).